The following is an entry in ClinVar:

NM_001165963.4(SCN1A):c.2939A>G (p.Asn980Ser)

Gene: SCN1A (sodium voltage-gated channel alpha subunit 1; minus strand). Cytogenetic location: 2q24.3.
Variant type: single nucleotide variant.
Coding change: c.2939A>G on transcript NM_001165963.4 (MANE Select); coding-DNA position 2939, A replaced by G.
Protein change: p.Asn980Ser; replaces asparagine 980 with serine.
Molecular consequence: missense variant. On other transcripts: non-coding transcript variant (1).
Genome position (GRCh38, 1-based): chr2:166,037,783, T>C on the plus strand (A>G on the coding strand, the complement: SCN1A is on the minus strand). VCF-style: chr2-166037783-T-C. GRCh37 (hg19) VCF-style: chr2-166894293-T-C.
Other names: p.N980S:AAC>AGC; c.2855A>G, p.Asn952Ser (NM_001165964.3, NM_001353957.2, NM_001353958.2); c.2939A>G, p.Asn980Ser (NM_001202435.3, NM_001353948.2); c.2906A>G, p.Asn969Ser (NM_001353949.2, NM_001353950.2, NM_001353951.2 and 2 more transcripts); c.2903A>G, p.Asn968Ser (NM_001353954.2, NM_001353955.2); c.2852A>G, p.Asn951Ser (NM_001353960.2); c.497A>G, p.Asn166Ser (NM_001353961.2); short protein forms N969S, N980S, N968S, N166S, N952S, N951S.
Identifiers: ClinVar variation 206793 (VCV000206793.3), dbSNP rs796052989, ClinGen allele CA317335.

ClinVar aggregate classification (germline): Pathogenic (1 of 4 stars; one submission).

Submission:

GeneDx
Classification: Pathogenic. Last evaluated: 2022-11-23. Review status: criteria provided, single submitter. Criteria: GeneDx Variant Classification Process June 2021. Collection method: clinical testing. Allele origin: germline. Affected: yes.
Comment: Identified in an individual from a cohort with epilepsy and neurodevelopmental disorders in published literature (Lindy et al., 2018); Not observed at significant frequency in large population cohorts (gnomAD); Missense variants in this gene are often considered pathogenic (HGMD); In silico analysis supports that this missense variant has a deleterious effect on protein structure/function; This substitution is predicted to be within the transmembrane segment S6 of the second homologous domain; This variant is associated with the following publications: (PMID: 29655203)